The following is an entry in ClinVar:

ClinVar aggregate classification (germline): Benign/Likely benign. Review status: criteria provided, multiple submitters, no conflicts (2 of 4 stars). 3 submissions from 3 submitters: Benign (2); Likely benign (1). Last evaluated 2024-12-01.

Allele frequency attached by ClinVar (database versions not stated): 1000 Genomes Project 0.00300; 1000 Genomes Project 30x 0.00312; ExAC 0.00397; TOPMed 0.00402; gnomAD exomes 0.00418 and 0.00619; gnomAD 0.00434 and 0.00444; ESP Exome Variant Server 0.00623.
gnomAD v4.1: 9,562 of 1,606,030 alleles (0.6%); highest among the groups gnomAD compares: Non-Finnish European, 0.7%; 43 homozygotes.

Submissions (3):

CeGaT Center for Human Genetics Tuebingen
Classification: Likely benign. Last evaluated: 2024-12-01. Review status: criteria provided, single submitter. Criteria: CeGaT Center For Human Genetics Tuebingen Variant Classification Criteria Version 2. Collection method: clinical testing. Allele origin: germline. Affected: yes. Observed: 9 variant alleles.
Comment: NSF: BP4, BP7, BS2

Labcorp Genetics (formerly Invitae), Labcorp
Classification: Benign. Last evaluated: 2017-12-27. Review status: criteria provided, single submitter. Criteria: Invitae Variant Classification Sherloc (09022015). Collection method: clinical testing. Allele origin: germline.

Breakthrough Genomics
Classification: Benign. Review status: criteria provided, single submitter. Criteria: ACMG Guidelines, 2015. Collection method: not provided. Allele origin: germline. Inheritance: Autosomal dominant inheritance. Affected: yes.

NM_006178.4(NSF):c.1731T>C (p.Ser577=)

Genes: LRRC37A2 (leucine rich repeat containing 37 member A2), NSF (N-ethylmaleimide sensitive factor, vesicle fusing ATPase; plus strand). Cytogenetic location: 17q21.31.
Variant type: single nucleotide variant.
Coding change: c.1731T>C on transcript NM_006178.4 (MANE Select); coding-DNA position 1731, T replaced by C.
Protein change: p.Ser577=; no amino-acid change (serine 577 retained).
Molecular consequence: synonymous variant. On other transcripts: non-coding transcript variant (1).
Genome position (GRCh38, 1-based): chr17:46,713,956, T>C. VCF-style: chr17-46713956-T-C. GRCh37 (hg19) VCF-style: chr17-44791322-T-C.
Identifiers: ClinVar variation 775110 (VCV000775110.28), dbSNP rs11537609, ClinGen allele CA8620295.